The following is an entry in ClinVar:

ClinVar aggregate classification (germline): Uncertain significance. Review status: criteria provided, multiple submitters, no conflicts (2 of 4 stars). 2 submissions from 2 submitters: Uncertain significance (2). Last evaluated 2026-01-13.

Conditions:
Tuberous sclerosis 1 (TSC1). Identifiers: Orphanet 805, MedGen C1854465, MONDO:0008612, OMIM 191100.
Hereditary cancer-predisposing syndrome. Also called: Hereditary neoplastic syndrome; Neoplastic Syndromes, Hereditary; Tumor predisposition; Hereditary Cancer Syndrome. Identifiers: Orphanet 140162, MedGen C0027672, MeSH D009386, MONDO:0015356.

Submissions (2):

Labcorp Genetics (formerly Invitae), Labcorp
Classification: Uncertain significance for Tuberous sclerosis 1. Last evaluated: 2026-01-13. Review status: criteria provided, single submitter. Criteria: Invitae Variant Classification Sherloc (09022015). Collection method: clinical testing. Allele origin: germline.
Comment: This sequence change replaces threonine, which is neutral and polar, with isoleucine, which is neutral and non-polar, at codon 379 of the TSC1 protein (p.Thr379Ile). This variant is not present in population databases (gnomAD no frequency). This variant has not been reported in the literature in individuals affected with TSC1-related conditions. ClinVar contains an entry for this variant (Variation ID: 411212). Invitae Evidence Modeling of protein sequence and biophysical properties (such as structural, functional, and spatial information, amino acid conservation, physicochemical variation, residue mobility, and thermodynamic stability) indicates that this missense variant is not expected to disrupt TSC1 protein function with a negative predictive value of 95%. In summary, the available evidence is currently insufficient to determine the role of this variant in disease. Therefore, it has been classified as a Variant of Uncertain Significance.

Ambry Genetics
Classification: Uncertain significance for Hereditary cancer-predisposing syndrome. Last evaluated: 2025-11-08. Review status: criteria provided, single submitter. Criteria: Ambry Variant Classification Scheme 2023. Collection method: clinical testing. Allele origin: germline.
Comment: The p.T379I variant (also known as c.1136C>T), located in coding exon 9 of the TSC1 gene, results from a C to T substitution at nucleotide position 1136. The threonine at codon 379 is replaced by isoleucine, an amino acid with similar properties. This amino acid position is conserved. In addition, the in silico prediction for this alteration is inconclusive. Based on the available evidence, the clinical significance of this variant remains unclear.

NM_000368.5(TSC1):c.1136C>T (p.Thr379Ile)

Gene: TSC1 (TSC complex subunit 1; minus strand). Cytogenetic location: 9q34.13.
Variant type: single nucleotide variant.
Coding change: c.1136C>T on transcript NM_000368.5 (MANE Select); coding-DNA position 1136, C replaced by T.
Protein change: p.Thr379Ile; replaces threonine 379 with isoleucine.
Molecular consequence: missense variant.
Genome position (GRCh38, 1-based): chr9:132,911,007, G>A on the plus strand (C>T on the coding strand, the complement: TSC1 is on the minus strand). VCF-style: chr9-132911007-G-A. GRCh37 (hg19) VCF-style: chr9-135786394-G-A.
Other names: c.1136C>T, p.Thr379Ile (NM_001162426.2); c.983C>T, p.Thr328Ile (NM_001162427.2); c.773C>T, p.Thr258Ile (NM_001362177.2); short protein forms T379I, T328I, T258I.
Identifiers: ClinVar variation 411212 (VCV000411212.10), dbSNP rs1060503193, ClinGen allele CA16612484.